The following is an entry in ClinVar:

NM_032119.4(ADGRV1):c.11757+30A>G

Gene: ADGRV1 (adhesion G protein-coupled receptor V1; plus strand). Cytogenetic location: 5q14.3.
Variant type: single nucleotide variant.
Coding change: c.11757+30A>G on transcript NM_032119.4 (MANE Select); 30 bases into the intron after coding-DNA position 11757, A replaced by G.
Molecular consequence: intron variant.
Genome position (GRCh38, 1-based): chr5:90,756,660, A>G. VCF-style: chr5-90756660-A-G. GRCh37 (hg19) VCF-style: chr5-90052477-A-G.
Identifiers: ClinVar variation 676659 (VCV000676659.1), dbSNP rs16869091, ClinGen allele CA3341039.

ClinVar aggregate classification (germline): Benign (1 of 4 stars; one submission).

Allele frequency attached by ClinVar (database versions not stated): gnomAD exomes 0.00262 and 0.00674; ESP Exome Variant Server 0.02980; TOPMed 0.03016; ExAC 0.00978; gnomAD 0.02597 and 0.02782; 1000 Genomes Project 0.02716; 1000 Genomes Project 30x 0.02920.
gnomAD v4.1: 7,799 of 1,572,244 alleles (0.5%); highest among the groups gnomAD compares: African/African-American, 9.5%; 326 homozygotes.

Submission:

GeneDx
Classification: Benign. Last evaluated: 2018-06-16. Review status: criteria provided, single submitter. Criteria: GeneDx Variant Classification (06012015). Collection method: clinical testing. Allele origin: germline. Affected: yes.
Comment: This variant is considered likely benign or benign based on one or more of the following criteria: it is a conservative change, it occurs at a poorly conserved position in the protein, it is predicted to be benign by multiple in silico algorithms, and/or has population frequency not consistent with disease.